The following is an entry in ClinVar:

NM_001374259.2(IL12RB2):c.247C>G (p.His83Asp)

Gene: IL12RB2 (interleukin 12 receptor subunit beta 2; plus strand). Cytogenetic location: 1p31.3.
Variant type: single nucleotide variant.
Coding change: c.247C>G on transcript NM_001374259.2 (MANE Select); coding-DNA position 247, C replaced by G.
Protein change: p.His83Asp; replaces histidine 83 with aspartic acid.
Molecular consequence: missense variant. On other transcripts: non-coding transcript variant (2).
Genome position (GRCh38, 1-based): chr1:67,321,772, C>G. VCF-style: chr1-67321772-C-G. GRCh37 (hg19) VCF-style: chr1-67787455-C-G.
Other names: c.247C>G, p.His83Asp (NM_001258214.1, NM_001258215.1, NM_001258216.1 and 2 more transcripts); short protein forms H83D.
Identifiers: ClinVar variation 4762723 (VCV004762723.1).
Genomic context (GRCh38, chr1:67,321,772, plus strand): 5'-TCCAGACGTAACAAGTTAATCCTGTACAAGTTTGACAGAAGAATCAATTTTCACCATGGC[C>G]ACTCCCTCAATTCTCAAGTCACAGGTCTTCCCCTTGGTACAACCTTGTTTGTCTGCAAAC-3'
Protein context (NP_001361188.1, residues 73-93): FDRRINFHHG[His83Asp]SLNSQVTGLP

ClinVar aggregate classification (germline): Uncertain significance (1 of 4 stars; one submission).

Submission:

Labcorp Genetics (formerly Invitae), Labcorp
Classification: Uncertain significance. Last evaluated: 2026-01-11. Review status: criteria provided, single submitter. Criteria: Invitae Variant Classification Sherloc (09022015). Collection method: clinical testing. Allele origin: germline.
Comment: This sequence change replaces histidine, which is basic and polar, with aspartic acid, which is acidic and polar, at codon 83 of the IL12RB2 protein (p.His83Asp). This variant is present in population databases (no rsID available, gnomAD 0.006%). This variant has not been reported in the literature in individuals affected with IL12RB2-related conditions. An algorithm developed to predict the effect of missense changes on protein structure and function outputs the following: PolyPhen-2: "Benign". The aspartic acid amino acid residue is found in multiple mammalian species, which suggests that this missense change does not adversely affect protein function. In summary, the available evidence is currently insufficient to determine the role of this variant in disease. Therefore, it has been classified as a Variant of Uncertain Significance.